The following is an entry in ClinVar:

ClinVar aggregate classification (germline): Uncertain significance (1 of 4 stars; one submission).

Conditions:
Multiple endocrine neoplasia, type 2 (MEN2). Identifiers: Orphanet 653, MedGen C4048306, MONDO:0019003. Disease mechanism: gain of function.

Submission:

Labcorp Genetics (formerly Invitae), Labcorp
Classification: Uncertain significance for Multiple endocrine neoplasia, type 2. Last evaluated: 2025-03-05. Review status: criteria provided, single submitter. Criteria: Invitae Variant Classification Sherloc (09022015). Collection method: clinical testing. Allele origin: germline.
Comment: This sequence change replaces histidine, which is basic and polar, with tyrosine, which is neutral and polar, at codon 745 of the RET protein (p.His745Tyr). This variant is not present in population databases (gnomAD no frequency). This variant has not been reported in the literature in individuals affected with RET-related conditions. An algorithm developed to predict the effect of missense changes on protein structure and function (PolyPhen-2) suggests that this variant is likely to be tolerated. In summary, the available evidence is currently insufficient to determine the role of this variant in disease. Therefore, it has been classified as a Variant of Uncertain Significance.

NM_020975.6(RET):c.2233C>T (p.His745Tyr)

Gene: RET (ret proto-oncogene; plus strand). Cytogenetic location: 10q11.21.
Variant type: single nucleotide variant.
Coding change: c.2233C>T on transcript NM_020975.6 (MANE Select); coding-DNA position 2233, C replaced by T.
Protein change: p.His745Tyr; replaces histidine 745 with tyrosine.
Molecular consequence: missense variant.
Genome position (GRCh38, 1-based): chr10:43,116,680, C>T. VCF-style: chr10-43116680-C-T. GRCh37 (hg19) VCF-style: chr10-43612128-C-T.
Other names: c.1471C>T, p.His491Tyr (NM_001355216.2); c.2233C>T, p.His745Tyr (NM_001406743.1, NM_001406744.1, NM_001406759.1 and 2 more transcripts); c.2104C>T, p.His702Tyr (NM_001406761.1, NM_001406762.1, NM_001406764.1); c.2098C>T, p.His700Tyr (NM_001406763.1, NM_001406765.1); c.1945C>T, p.His649Tyr (NM_001406766.1, NM_001406767.1, NM_001406770.1); c.1969C>T, p.His657Tyr (NM_001406768.1); c.1837C>T, p.His613Tyr (NM_001406769.1, NM_001406772.1); c.1795C>T, p.His599Tyr (NM_001406771.1, NM_001406773.1); and 10 more; short protein forms H350Y, H649Y, H700Y, H310Y, H403Y, H406Y, H570Y, H613Y.
Identifiers: ClinVar variation 4750088 (VCV004750088.1).
Genomic context (GRCh38, chr10:43,116,680, plus strand): 5'-GTTCTTGGAAAAACTCTAGGAGAAGGCGAATTTGGAAAAGTGGTCAAGGCAACGGCCTTC[C>T]ATCTGAAAGGCAGAGCAGGGTACACCACGGTGGCCGTGAAGATGCTGAAAGGTACCTGCC-3'
Protein context (NP_066124.1, residues 735-755): FGKVVKATAF[His745Tyr]LKGRAGYTTV